The following is an entry in ClinVar:

NM_017882.3(CLN6):c.297+2T>C

Gene: CLN6 (CLN6 transmembrane ER protein; minus strand). Cytogenetic location: 15q23.
Variant type: single nucleotide variant.
Coding change: c.297+2T>C on transcript NM_017882.3 (MANE Select); the canonical splice donor site of the intron after coding-DNA position 297, T replaced by C.
Molecular consequence: splice donor variant.
Genome position (GRCh38, 1-based): chr15:68,214,288, A>G on the plus strand (T>C on the coding strand, the complement: CLN6 is on the minus strand). VCF-style: chr15-68214288-A-G. GRCh37 (hg19) VCF-style: chr15-68506626-A-G.
Other names: c.393+2T>C (NM_001411068.1).
Identifiers: ClinVar variation 3902727 (VCV003902727.1).

ClinVar aggregate classification (germline): Likely pathogenic (1 of 4 stars; one submission).

Conditions:
Neuronal ceroid lipofuscinosis. Also called: Neuronal Ceroid Lipofuscinoses. Identifiers: Orphanet 216, Orphanet 79263, MedGen C0027877, MONDO:0016295. Disease mechanism: loss of function.

Submission:

Women's Health and Genetics/Laboratory Corporation of America, LabCorp
Classification: Likely pathogenic for Neuronal ceroid lipofuscinosis. Last evaluated: 2025-05-23. Review status: criteria provided, single submitter. Criteria: LabCorp Variant Classification Summary - May 2015. Collection method: clinical testing. Allele origin: germline.
Comment: Variant summary: CLN6 c.297+2T>C is located in a canonical splice-site and is predicted to affect mRNA splicing resulting in a significantly altered protein due to either exon skipping, shortening, or inclusion of intronic material. Variants that disrupt the consensus splice site are a relatively common cause of aberrant splicing and loss of CLN6 function. Several computational tools predict a significant impact on normal splicing: Four predict the variant abolishes a 5' splicing donor site. However, these predictions have yet to be confirmed by functional studies. The variant was absent in 251456 control chromosomes. To our knowledge, no occurrence of c.297+2T>C in individuals affected with Neuronal Ceroid-Lipofuscinosis (Batten Disease) and no experimental evidence demonstrating its impact on protein function have been reported. No submitters have cited clinical-significance assessments for this variant to ClinVar. Based on the evidence outlined above, the variant was classified as likely pathogenic.